The following is an entry in ClinVar:

ClinVar aggregate classification (germline): Benign (1 of 4 stars; one submission).

Allele frequency attached by ClinVar (database versions not stated): gnomAD 0.13240 and 0.13762; TOPMed 0.14178; 1000 Genomes Project 0.14916; 1000 Genomes Project 30x 0.15631.
gnomAD v4.1: 20,009 of 152,210 alleles (13%); highest among the groups gnomAD compares: African/African-American, 35%; 2,723 homozygotes.

Submission:

GeneDx
Classification: Benign. Last evaluated: 2018-06-14. Review status: criteria provided, single submitter. Criteria: GeneDx Variant Classification (06012015). Collection method: clinical testing. Allele origin: germline. Affected: yes.
Comment: This variant is considered likely benign or benign based on one or more of the following criteria: it is a conservative change, it occurs at a poorly conserved position in the protein, it is predicted to be benign by multiple in silico algorithms, and/or has population frequency not consistent with disease.

NM_133642.5(LARGE1):c.1132-175A>G

Gene: LARGE1 (LARGE xylosyl- and glucuronyltransferase 1; minus strand). Cytogenetic location: 22q12.3.
Variant type: single nucleotide variant.
Coding change: c.1132-175A>G on transcript NM_133642.5 (MANE Select); 175 bases into the intron before coding-DNA position 1132, A replaced by G.
Molecular consequence: intron variant.
Genome position (GRCh38, 1-based): chr22:33,337,976, T>C on the plus strand (A>G on the coding strand, the complement: LARGE1 is on the minus strand). VCF-style: chr22-33337976-T-C. GRCh37 (hg19) VCF-style: chr22-33733962-T-C.
Other names: c.1132-175A>G (NM_001362953.2, NM_001362949.2, NM_001378627.1 and 6 more transcripts); c.1132-21728A>G (NM_001378629.1); c.529-21728A>G (NM_001378631.1); c.529-175A>G (NM_001378630.1).
Identifiers: ClinVar variation 683052 (VCV000683052.1), dbSNP rs2157199, ClinGen allele CA16598620.
Genomic context (GRCh38, chr22:33,337,976, plus strand): 5'-TTCGCTCATTCAACATTTTGGCAGAGTGGTTAAGGGTAGGGGCTCGGGGGCCAGGTCACC[T>C]GGGATCAAACCCTGCCTCTGCTCTAGGTAGTCCTTTAATCTCACACAAGTGACTGAATCT-3'